The following is an entry in ClinVar:

NM_005993.5(TBCD):c.82G>A (p.Glu28Lys)

Gene: TBCD (tubulin folding cofactor D). Cytogenetic location: 17q25.3.
Variant type: single nucleotide variant.
Coding change: c.82G>A on transcript NM_005993.5 (MANE Select); coding-DNA position 82, G replaced by A.
Protein change: p.Glu28Lys; replaces glutamic acid 28 with lysine.
Molecular consequence: missense variant.
Genome position (GRCh38, 1-based): chr17:82,752,275, G>A. VCF-style: chr17-82752275-G-A. GRCh37 (hg19) VCF-style: chr17-80710151-G-A.
Other names: c.82G>A, p.Glu28Lys (NM_001411101.1, NM_001411102.1); short protein forms E28K.
Identifiers: ClinVar variation 1895619 (VCV001895619.5), dbSNP rs916503100, ClinGen allele CA295248545.

ClinVar aggregate classification (germline): Uncertain significance. Review status: criteria provided, multiple submitters, no conflicts (2 of 4 stars). 2 submissions from 2 submitters: Uncertain significance (2). Last evaluated 2024-01-29.

Conditions:
Inborn genetic diseases. Identifiers: MedGen C0950123, MeSH D030342.

Allele frequency attached by ClinVar (database versions not stated): gnomAD 0.00001; gnomAD exomes 0.00001; TOPMed 0.00003.
gnomAD v4.1: 16 of 1,517,130 alleles (0.0011%); highest among the groups gnomAD compares: Admixed American, 0.029%; no homozygotes.

Submissions (2):

Labcorp Genetics (formerly Invitae), Labcorp
Classification: Uncertain significance. Last evaluated: 2024-01-29. Review status: criteria provided, single submitter. Criteria: Invitae Variant Classification Sherloc (09022015). Collection method: clinical testing. Allele origin: germline.
Comment: This sequence change replaces glutamic acid, which is acidic and polar, with lysine, which is basic and polar, at codon 28 of the TBCD protein (p.Glu28Lys). This variant is present in population databases (no rsID available, gnomAD 0.05%). This variant has not been reported in the literature in individuals affected with TBCD-related conditions. ClinVar contains an entry for this variant (Variation ID: 1895619). Advanced modeling of protein sequence and biophysical properties (such as structural, functional, and spatial information, amino acid conservation, physicochemical variation, residue mobility, and thermodynamic stability) has been performed at Invitae for this missense variant, however the output from this modeling did not meet the statistical confidence thresholds required to predict the impact of this variant on TBCD protein function. In summary, the available evidence is currently insufficient to determine the role of this variant in disease. Therefore, it has been classified as a Variant of Uncertain Significance.

Ambry Genetics
Classification: Uncertain significance for Inborn genetic diseases. Last evaluated: 2021-02-08. Review status: criteria provided, single submitter. Criteria: Ambry Variant Classification Scheme 2023. Collection method: clinical testing. Allele origin: germline.